The following is an entry in ClinVar:

ClinVar aggregate classification (germline): Uncertain significance (1 of 4 stars; one submission).

Allele frequency attached by ClinVar (database versions not stated): gnomAD exomes below 0.00001.
gnomAD v4.1: 3 of 1,604,346 alleles (0.00019%); highest among the groups gnomAD compares: Non-Finnish European, 0.00017%; no homozygotes.

Submission:

Labcorp Genetics (formerly Invitae), Labcorp
Classification: Uncertain significance. Last evaluated: 2021-07-03. Review status: criteria provided, single submitter. Criteria: Invitae Variant Classification Sherloc (09022015). Collection method: clinical testing. Allele origin: germline.
Comment: This sequence change replaces alanine with valine at codon 307 of the GIPC3 protein (p.Ala307Val). The alanine residue is highly conserved and there is a small physicochemical difference between alanine and valine. This variant is not present in population databases (ExAC no frequency). This variant has not been reported in the literature in individuals affected with GIPC3-related conditions. Algorithms developed to predict the effect of missense changes on protein structure and function (SIFT, PolyPhen-2, Align-GVGD) all suggest that this variant is likely to be tolerated. Algorithms developed to predict the effect of sequence changes on RNA splicing suggest that this variant may create or strengthen a splice site. In summary, the available evidence is currently insufficient to determine the role of this variant in disease. Therefore, it has been classified as a Variant of Uncertain Significance.

NM_133261.3(GIPC3):c.920C>T (p.Ala307Val)

Gene: GIPC3 (GIPC PDZ domain containing family member 3; plus strand). Cytogenetic location: 19p13.3.
Variant type: single nucleotide variant.
Coding change: c.920C>T on transcript NM_133261.3 (MANE Select); coding-DNA position 920, C replaced by T.
Protein change: p.Ala307Val; replaces alanine 307 with valine.
Molecular consequence: missense variant.
Genome position (GRCh38, 1-based): chr19:3,590,171, C>T. VCF-style: chr19-3590171-C-T. GRCh37 (hg19) VCF-style: chr19-3590169-C-T.
Other names: short protein forms A307V.
Identifiers: ClinVar variation 1517484 (VCV001517484.8), dbSNP rs2032460013, ClinGen allele CA403365698.